The following is an entry in ClinVar:

ClinVar aggregate classification (germline): Pathogenic (1 of 4 stars; one submission).

Conditions:
Epidermolysis bullosa simplex 3, localized or generalized intermediate, with BP230 deficiency (EBS3). Also called: Epidermolysis bullosa simplex, autosomal recessive 2; Epidermolysis bullosa simplex due to BP230 deficiency. Identifiers: Orphanet 412181, MedGen C3809470, MONDO:0014180, OMIM 615425.
Hereditary sensory and autonomic neuropathy type 6. Also called: HSAN VI; Neuropathy, hereditary sensory and autonomic, type VI. Identifiers: Orphanet 314381, MedGen C3539003, MONDO:0013839, OMIM 614653.

Submission:

Labcorp Genetics (formerly Invitae), Labcorp
Classification: Pathogenic for Epidermolysis bullosa simplex 3, localized or generalized intermediate, with BP230 deficiency; Hereditary sensory and autonomic neuropathy type 6. Last evaluated: 2022-12-30. Review status: criteria provided, single submitter. Criteria: Invitae Variant Classification Sherloc (09022015). Collection method: clinical testing. Allele origin: germline.
Comment: For these reasons, this variant has been classified as Pathogenic. This variant has not been reported in the literature in individuals affected with DST-related conditions. This variant is not present in population databases (gnomAD no frequency). This sequence change creates a premature translational stop signal (p.Arg1577Glufs*98) in the DST gene. It is expected to result in an absent or disrupted protein product. Loss-of-function variants in DST are known to be pathogenic (PMID: 22522446, 25059916, 30371979). The DST gene has multiple clinically relevant transcripts. This variant occurs in alternate transcript NM_015548.4, and corresponds to NM_001723.5:c.*21726del in the primary transcript.

Literature cited by the submitters: PubMed 22522446; PubMed 25059916; PubMed 30371979.

NM_001374736.1(DST):c.12598del (p.Arg4200fs)

Gene: DST (dystonin; minus strand). Cytogenetic location: 6p12.1.
Variant type: Deletion.
Coding change: c.12598del on transcript NM_001374736.1 (MANE Select); coding-DNA position 12598, one base deleted (A; older notation c.12598delA).
Protein change: p.Arg4200fs; shifts the reading frame from arginine 4200.
Molecular consequence: frameshift variant.
Genome position (GRCh38, 1-based): chr6:56,593,791, T deleted on the plus strand (A on the coding strand, the reverse complement: DST is on the minus strand). VCF-style (leftmost placement, unchanged base first): chr6-56593790-CT-C. GRCh37 (hg19) VCF-style: chr6-56458588-CT-C.
Other names: c.6241del, p.Arg2081fs (NM_001144769.5); c.5827del, p.Arg1943fs (NM_001144770.2); c.12598del, p.Arg4200fs (NM_001374722.1); c.11965del, p.Arg3989fs (NM_001374729.1); c.5707del, p.Arg1903fs (NM_001374730.1, NM_001386100.1, NM_183380.4); c.12625del, p.Arg4209fs (NM_001374734.1); c.4729del, p.Arg1577fs (NM_015548.5); short protein forms R1903fs, R1943fs, R4200fs, R4209fs, R1577fs, R2081fs, R3989fs.
Identifiers: ClinVar variation 2942801 (VCV002942801.3), dbSNP rs2536155834, ClinGen allele CA2740091376.